The following is an entry in ClinVar:

NM_015662.3(IFT172):c.3739C>T (p.Arg1247Cys)

Genes: IFT172 (intraflagellar transport 172; minus strand), LOC126806173 (BRD4-independent group 4 enhancer GRCh37_chr2:27676057-27677256; plus strand). Cytogenetic location: 2p23.3.
Variant type: single nucleotide variant.
Coding change: c.3739C>T on transcript NM_015662.3 (MANE Select); coding-DNA position 3739, C replaced by T.
Protein change: p.Arg1247Cys; replaces arginine 1247 with cysteine.
Molecular consequence: missense variant.
Genome position (GRCh38, 1-based): chr2:27,453,712, G>A on the plus strand (C>T on the coding strand, the complement: IFT172 is on the minus strand). VCF-style: chr2-27453712-G-A. GRCh37 (hg19) VCF-style: chr2-27676579-G-A.
Other names: c.3739C>T (NM_015662.2, NM_015662.1); short protein forms R1247C.
Identifiers: ClinVar variation 1353732 (VCV001353732.9), dbSNP rs375755957, ClinGen allele CA1579874.

ClinVar aggregate classification (germline): Uncertain significance. Review status: criteria provided, multiple submitters, no conflicts (2 of 4 stars). 4 submissions from 4 submitters: Uncertain significance (3). 1 of the submissions does not count toward it. Last evaluated 2025-02-11.

Conditions:
Retinitis pigmentosa 71 (RP71). Identifiers: Orphanet 791, MedGen C4225342, MONDO:0014618, OMIM 616394.
Short-rib thoracic dysplasia 10 with or without polydactyly (SRTD10). Identifiers: Orphanet 474, MedGen C3810175, MONDO:0014284, OMIM 615630.
Bardet-Biedl syndrome 20. Identifiers: MedGen C4310707, MONDO:0023670, OMIM 619471, MONDO:0014926.
Inborn genetic diseases. Identifiers: MedGen C0950123, MeSH D030342.
IFT172-related disorder. Also called: IFT172-related disorders; IFT172-related condition.

Allele frequency attached by ClinVar (database versions not stated): ExAC 0.00001; gnomAD 0.00001 and 0.00002; gnomAD exomes 0.00001; TOPMed 0.00001; ESP Exome Variant Server 0.00008.
gnomAD v4.1: 14 of 1,612,176 alleles (0.00087%); highest among the groups gnomAD compares: Admixed American, 0.0017%; no homozygotes.

Submissions (4):

Ambry Genetics
Classification: Uncertain significance for Inborn genetic diseases. Last evaluated: 2025-02-11. Review status: criteria provided, single submitter. Criteria: Ambry Variant Classification Scheme 2023. Collection method: clinical testing. Allele origin: germline.

Labcorp Genetics (formerly Invitae), Labcorp
Classification: Uncertain significance for Retinitis pigmentosa 71; Short-rib thoracic dysplasia 10 with or without polydactyly. Last evaluated: 2022-07-25. Review status: criteria provided, single submitter. Criteria: Invitae Variant Classification Sherloc (09022015). Collection method: clinical testing. Allele origin: germline.
Comment: This sequence change replaces arginine, which is basic and polar, with cysteine, which is neutral and slightly polar, at codon 1247 of the IFT172 protein (p.Arg1247Cys). This variant is present in population databases (rs375755957, gnomAD 0.004%). This variant has not been reported in the literature in individuals affected with IFT172-related conditions. ClinVar contains an entry for this variant (Variation ID: 1353732). Algorithms developed to predict the effect of missense changes on protein structure and function are either unavailable or do not agree on the potential impact of this missense change (SIFT: "Deleterious"; PolyPhen-2: "Probably Damaging"; Align-GVGD: "Class C0"). In summary, the available evidence is currently insufficient to determine the role of this variant in disease. Therefore, it has been classified as a Variant of Uncertain Significance.

Fulgent Genetics
Classification: Uncertain significance for Short-rib thoracic dysplasia 10 with or without polydactyly; Retinitis pigmentosa 71; Bardet-Biedl syndrome 20. Last evaluated: 2021-09-07. Review status: criteria provided, single submitter. Criteria: ACMG Guidelines, 2015. Collection method: clinical testing. Allele origin: unknown.

PreventionGenetics, part of Exact Sciences
Classification: Uncertain significance for IFT172-related condition. Last evaluated: 2024-08-07. Review status: no assertion criteria provided. Collection method: clinical testing. Allele origin: germline. Not counted in ClinVar's aggregate classification.
Comment: The IFT172 c.3739C>T variant is predicted to result in the amino acid substitution p.Arg1247Cys. To our knowledge, this variant has not been reported in the literature. This variant is reported in 0.0040% of alleles in individuals of African descent in gnomAD. At this time, the clinical significance of this variant is uncertain due to the absence of conclusive functional and genetic evidence.